The following is an entry in ClinVar:

ClinVar aggregate classification (germline): Uncertain significance (1 of 4 stars; one submission).

Conditions:
Hereditary pancreatitis (PCTT). Also called: PRSS1-Related Hereditary Pancreatitis; Hereditary chronic pancreatitis. Identifiers: Orphanet 676, MedGen C0238339, MONDO:0008185, OMIM 167800.

Submission:

Ambry Genetics
Classification: Uncertain significance for Hereditary pancreatitis. Last evaluated: 2022-10-27. Review status: criteria provided, single submitter. Criteria: Ambry Variant Classification Scheme 2023. Collection method: clinical testing. Allele origin: germline.
Comment: The p.S342C variant (also known as c.1025C>G), located in coding exon 9 of the CPA1 gene, results from a C to G substitution at nucleotide position 1025. The serine at codon 342 is replaced by cysteine, an amino acid with dissimilar properties. This amino acid position is conserved. In addition, this alteration is predicted to be tolerated by in silico analysis. Since supporting evidence is limited at this time, the clinical significance of this alteration remains unclear.

NM_001868.4(CPA1):c.1025C>G (p.Ser342Cys)

Gene: CPA1 (carboxypeptidase A1; plus strand). Cytogenetic location: 7q32.2.
Variant type: single nucleotide variant.
Coding change: c.1025C>G on transcript NM_001868.4 (MANE Select); coding-DNA position 1025, C replaced by G.
Protein change: p.Ser342Cys; replaces serine 342 with cysteine.
Molecular consequence: missense variant.
Genome position (GRCh38, 1-based): chr7:130,385,876, C>G. VCF-style: chr7-130385876-C-G. GRCh37 (hg19) VCF-style: chr7-130025717-C-G.
Other names: short protein forms S342C.
Identifiers: ClinVar variation 1769290 (VCV001769290.2), dbSNP rs2536013206, ClinGen allele CA369284045.
Genomic context (GRCh38, chr7:130,385,876, plus strand): 5'-GCTTTGCTTGGTGTTTTGTCCAGGATCAGCTTTCCAAGGCTGCTGTGACAGCCCTGGCCT[C>G]TCTCTACGGGACCAAGTTCAACTATGGCAGCATCATCAAGGCAATTTGTAAGTGGCCGTA-3'
Protein context (NP_001859.1, residues 332-352): LSKAAVTALA[Ser342Cys]LYGTKFNYGS